The following is an entry in ClinVar:

NM_001039469.3(MARK2):c.457C>T (p.Arg153Ter)

Gene: MARK2 (microtubule affinity regulating kinase 2; plus strand). Cytogenetic location: 11q13.1.
Variant type: single nucleotide variant.
Coding change: c.457C>T on transcript NM_001039469.3 (MANE Select); coding-DNA position 457, C replaced by T.
Protein change: p.Arg153Ter; replaces arginine 153 with a stop codon.
Molecular consequence: nonsense.
Genome position (GRCh38, 1-based): chr11:63,898,816, C>T. VCF-style: chr11-63898816-C-T. GRCh37 (hg19) VCF-style: chr11-63666288-C-T.
Other names: c.457C>T, p.Arg153Ter (NM_001039468.1, NM_001163296.2, NM_001163297.2 and 1 more transcripts); c.358C>T, p.Arg120Ter (NM_017490.4); short protein forms R120*, R153*.
Identifiers: ClinVar variation 2672226 (VCV002672226.1), dbSNP rs1387170272, ClinGen allele CA381045985.

ClinVar aggregate classification (germline): Uncertain significance (1 of 4 stars; one submission).

Submission:

Clinical Genomics Laboratory, Washington University in St. Louis
Classification: Uncertain significance. Last evaluated: 2023-08-24. Review status: criteria provided, single submitter. Criteria: ACMG Guidelines, 2015. Collection method: clinical testing. Allele origin: germline.
Comment: The MARK2 c.457C>T (p.Arg153Ter) variant has been reported as occurring de novo in an individual affected with cognitive impairment and Tourette syndrome (Zhou X et al., PMID: 35982159). This variant is absent from the general population (gnomAD v.2.1.1), indicating it is not a common variant. This variant causes a premature termination codon, which is predicted to lead to nonsense mediated decay. Due to limited information, the clinical significance of this variant is uncertain.